The following is an entry in ClinVar:

NM_020975.6(RET):c.1909G>T (p.Val637Leu)

Gene: RET (ret proto-oncogene; plus strand). Cytogenetic location: 10q11.21.
Variant type: single nucleotide variant.
Coding change: c.1909G>T on transcript NM_020975.6 (MANE Select); coding-DNA position 1909, G replaced by T.
Protein change: p.Val637Leu; replaces valine 637 with leucine.
Molecular consequence: missense variant. On other transcripts: intron variant (4).
Genome position (GRCh38, 1-based): chr10:43,114,509, G>T. VCF-style: chr10-43114509-G-T. GRCh37 (hg19) VCF-style: chr10-43609957-G-T.
Other names: c.1147G>T, p.Val383Leu (NM_001355216.2); c.1909G>T, p.Val637Leu (NM_001406743.1, NM_001406744.1, NM_001406759.1 and 2 more transcripts); c.1780G>T, p.Val594Leu (NM_001406761.1, NM_001406762.1, NM_001406764.1); c.1621G>T, p.Val541Leu (NM_001406766.1, NM_001406767.1, NM_001406770.1); c.1513G>T, p.Val505Leu (NM_001406769.1, NM_001406772.1); c.1471G>T, p.Val491Leu (NM_001406771.1, NM_001406773.1); c.1384G>T, p.Val462Leu (NM_001406774.1); c.1183G>T, p.Val395Leu (NM_001406775.1, NM_001406776.1, NM_001406777.1 and 1 more transcripts); and 10 more; short protein forms V202L, V295L, V307L, V395L, V491L, V541L, V505L, V298L.
Identifiers: ClinVar variation 3313736 (VCV003313736.1).
Genomic context (GRCh38, chr10:43,114,509, plus strand): 5'-GTGCCAAGCCTCACACCACCCCCACCCACAGATCCACTGTGCGACGAGCTGTGCCGCACG[G>T]TGATCGCAGCCGCTGTCCTCTTCTCCTTCATCGTCTCGGTGCTGCTGTCTGCCTTCTGCA-3'
Protein context (NP_066124.1, residues 627-647): DPLCDELCRT[Val637Leu]IAAAVLFSFI

ClinVar aggregate classification (germline): Uncertain significance (1 of 4 stars; one submission).

Conditions:
Hereditary cancer-predisposing syndrome. Also called: Neoplastic Syndromes, Hereditary; Tumor predisposition; Hereditary neoplastic syndrome; Hereditary Cancer Syndrome. Identifiers: Orphanet 140162, MedGen C0027672, MeSH D009386, MONDO:0015356.

Submission:

Ambry Genetics
Classification: Uncertain significance for Hereditary cancer-predisposing syndrome. Last evaluated: 2024-05-16. Review status: criteria provided, single submitter. Criteria: Ambry Variant Classification Scheme 2023. Collection method: clinical testing. Allele origin: germline.
Comment: The p.V637L variant (also known as c.1909G>T), located in coding exon 11 of the RET gene, results from a G to T substitution at nucleotide position 1909. The valine at codon 637 is replaced by leucine, an amino acid with highly similar properties. This amino acid position is conserved. In addition, the in silico prediction for this alteration is inconclusive. Based on the available evidence, the clinical significance of this variant remains unclear.